The following is an entry in ClinVar:

NM_018474.6(KIZ):c.282C>T (p.Phe94=)

Genes: KIZ (kizuna centrosomal protein; plus strand), LOC130065509 (ATAC-STARR-seq lymphoblastoid active region 17619; plus strand). Cytogenetic location: 20p11.23.
Variant type: single nucleotide variant.
Coding change: c.282C>T on transcript NM_018474.6 (MANE Select); coding-DNA position 282, C replaced by T.
Protein change: p.Phe94=; no amino-acid change (phenylalanine 94 retained).
Molecular consequence: synonymous variant. On other transcripts: 5 prime UTR variant (1), intron variant (4).
Genome position (GRCh38, 1-based): chr20:21,136,519, C>T. VCF-style: chr20-21136519-C-T. GRCh37 (hg19) VCF-style: chr20-21117160-C-T.
Other names: c.282C>T, p.Phe94= (NM_001352434.2); c.-105C>T (NM_001352436.2); c.169-9046C>T (NM_001276389.2); c.6+4360C>T (NM_001163022.3, NM_001352435.2, NM_001163023.3).
Identifiers: ClinVar variation 3045609 (VCV003045609.2), dbSNP rs1320517337, ClinGen allele CA509989458.

ClinVar aggregate classification (germline): Likely benign (0 of 4 stars; one submission).

Conditions:
KIZ-related disorder. Also called: KIZ-related condition.

Allele frequency attached by ClinVar (database versions not stated): gnomAD exomes below 0.00001.
gnomAD v4.1: 2 of 1,590,022 alleles (0.00013%); highest among the groups gnomAD compares: Non-Finnish European, 0.000085%; no homozygotes.

Submission:

PreventionGenetics, part of Exact Sciences
Classification: Likely benign for KIZ-related condition. Last evaluated: 2023-03-16. Review status: no assertion criteria provided. Collection method: clinical testing. Allele origin: germline.
Comment: This variant is classified as likely benign based on ACMG/AMP sequence variant interpretation guidelines (Richards et al. 2015 PMID: 25741868, with internal and published modifications).